The following is an entry in ClinVar:

ClinVar aggregate classification (germline): Uncertain significance. Review status: criteria provided, multiple submitters, no conflicts (2 of 4 stars). 3 submissions from 3 submitters: Uncertain significance (3). Last evaluated 2024-01-29.

Conditions:
Nephrolithiasis/nephrocalcinosis. Identifiers: MedGen CN580796.
Autosomal dominant hypocalcemia 1 (HYPOC1). Also called: HYPOCALCEMIA, FAMILIAL. Identifiers: MedGen C3715128, MONDO:0011013, OMIM 601198.
Familial hypocalciuric hypercalcemia (FHH). Also called: Familial benign hypercalcemia. Identifiers: Orphanet 405, MedGen C1809471, MONDO:0018458.

Allele frequency attached by ClinVar (database versions not stated): gnomAD exomes below 0.00001; gnomAD 0.00001; TOPMed 0.00001.
gnomAD v4.1: 5 of 1,614,042 alleles (0.00031%); highest among the groups gnomAD compares: African/African-American, 0.0013%; no homozygotes.

Submissions (3):

Blueprint Genetics
Classification: Uncertain significance. Last evaluated: 2024-01-29. Review status: criteria provided, single submitter. Criteria: ACMG Guidelines, 2015. Collection method: clinical testing. Allele origin: germline.

Labcorp Genetics (formerly Invitae), Labcorp
Classification: Uncertain significance for Familial hypocalciuric hypercalcemia; Autosomal dominant hypocalcemia 1. Last evaluated: 2023-10-12. Review status: criteria provided, single submitter. Criteria: Invitae Variant Classification Sherloc (09022015). Collection method: clinical testing. Allele origin: germline.
Comment: This sequence change replaces asparagine, which is neutral and polar, with aspartic acid, which is acidic and polar, at codon 592 of the CASR protein (p.Asn592Asp). This variant is not present in population databases (gnomAD no frequency). This variant has not been reported in the literature in individuals affected with CASR-related conditions. ClinVar contains an entry for this variant (Variation ID: 843690). An algorithm developed to predict the effect of missense changes on protein structure and function (PolyPhen-2) suggests that this variant is likely to be tolerated. In summary, the available evidence is currently insufficient to determine the role of this variant in disease. Therefore, it has been classified as a Variant of Uncertain Significance.

Ambry Genetics
Classification: Uncertain significance for Nephrolithiasis/nephrocalcinosis. Last evaluated: 2023-03-23. Review status: criteria provided, single submitter. Criteria: Ambry Variant Classification Scheme 2023. Collection method: clinical testing. Allele origin: germline.
Comment: The p.N592D variant (also known as c.1774A>G), located in coding exon 6 of the CASR gene, results from an A to G substitution at nucleotide position 1774. The asparagine at codon 592 is replaced by aspartic acid, an amino acid with highly similar properties. This amino acid position is conserved. In addition, the in silico prediction for this alteration is inconclusive. Since supporting evidence is limited at this time, the clinical significance of this alteration remains unclear.

NM_000388.4(CASR):c.1774A>G (p.Asn592Asp)

Gene: CASR (calcium sensing receptor; plus strand). Cytogenetic location: 3q21.1.
Variant type: single nucleotide variant.
Coding change: c.1774A>G on transcript NM_000388.4 (MANE Select); coding-DNA position 1774, A replaced by G.
Protein change: p.Asn592Asp; replaces asparagine 592 with aspartic acid.
Molecular consequence: missense variant.
Genome position (GRCh38, 1-based): chr3:122,283,728, A>G. VCF-style: chr3-122283728-A-G. GRCh37 (hg19) VCF-style: chr3-122002575-A-G.
Other names: c.1804A>G, p.Asn602Asp (NM_001178065.2); short protein forms N592D, N602D.
Identifiers: ClinVar variation 843690 (VCV000843690.10), dbSNP rs2074921447, ClinGen allele CA354157278.
Genomic context (GRCh38, chr3:122,283,728, plus strand): 5'-TCACTGGGACATTTTACAGATGCCAGTGCCTGTAACAAGTGCCCAGATGACTTCTGGTCC[A>G]ATGAGAACCACACCTCCTGCATTGCCAAGGAGATCGAGTTTCTGTCGTGGACGGAGCCCT-3'
Protein context (NP_000379.3, residues 582-602): CNKCPDDFWS[Asn592Asp]ENHTSCIAKE